The following is an entry in ClinVar:

NM_000548.5(TSC2):c.3874T>G (p.Ser1292Ala)

Gene: TSC2 (TSC complex subunit 2; plus strand). Cytogenetic location: 16p13.3.
Variant type: single nucleotide variant.
Coding change: c.3874T>G on transcript NM_000548.5 (MANE Select); coding-DNA position 3874, T replaced by G.
Protein change: p.Ser1292Ala; replaces serine 1292 with alanine.
Molecular consequence: missense variant. On other transcripts: intron variant (6).
Genome position (GRCh38, 1-based): chr16:2,082,495, T>G. VCF-style: chr16-2082495-T-G. GRCh37 (hg19) VCF-style: chr16-2132496-T-G.
Other names: c.3142T>G, p.Ser1048Ala (NM_001318831.2); c.3742T>G, p.Ser1248Ala (NM_001370404.1, NM_001406665.1); c.3745T>G, p.Ser1249Ala (NM_001370405.1, NM_021055.3); c.3871T>G, p.Ser1291Ala (NM_001406663.1); c.3274T>G, p.Ser1092Ala (NM_001406680.1); c.2401T>G, p.Ser801Ala (NM_001406690.1); c.2398T>G, p.Ser800Ala (NM_001406691.1); c.3814+697T>G (NM_001114382.3); and 5 more; short protein forms S1248A, S1292A, S801A, S1291A, S1048A, S1092A, S1249A, S800A.
Identifiers: ClinVar variation 1735741 (VCV001735741.2), dbSNP rs1166042912, ClinGen allele CA394295229.

ClinVar aggregate classification (germline): Uncertain significance (1 of 4 stars; one submission).

Conditions:
Hereditary cancer-predisposing syndrome. Also called: Neoplastic Syndromes, Hereditary; Tumor predisposition; Hereditary Cancer Syndrome; Hereditary neoplastic syndrome. Identifiers: Orphanet 140162, MedGen C0027672, MeSH D009386, MONDO:0015356.

Submission:

Ambry Genetics
Classification: Uncertain significance for Hereditary cancer-predisposing syndrome. Last evaluated: 2022-05-26. Review status: criteria provided, single submitter. Criteria: Ambry Variant Classification Scheme 2023. Collection method: clinical testing. Allele origin: germline.
Comment: The p.S1292A variant (also known as c.3874T>G), located in coding exon 31 of the TSC2 gene, results from a T to G substitution at nucleotide position 3874. The serine at codon 1292 is replaced by alanine, an amino acid with similar properties. This amino acid position is conserved. In addition, the in silico prediction for this alteration is inconclusive. Since supporting evidence is limited at this time, the clinical significance of this alteration remains unclear.